The following is an entry in ClinVar:

ClinVar aggregate classification (germline): Conflicting classifications of pathogenicity. Review status: criteria provided, conflicting classifications (1 of 4 stars). 2 submissions from 2 submitters: Uncertain significance (1); Likely benign (1). Last evaluated 2024-01-31.

Allele frequency attached by ClinVar (database versions not stated): gnomAD 0.00003 and 0.00004.

Submissions (2):

Labcorp Genetics (formerly Invitae), Labcorp
Classification: Likely benign. Last evaluated: 2024-01-31. Review status: criteria provided, single submitter. Criteria: Invitae Variant Classification Sherloc (09022015). Collection method: clinical testing. Allele origin: germline.

GeneDx
Classification: Uncertain significance. Last evaluated: 2020-07-06. Review status: criteria provided, single submitter. Criteria: GeneDx Variant Classification Process June 2021. Collection method: clinical testing. Allele origin: germline. Affected: yes.
Comment: In silico analysis supports that this variant does not alter splicing

NM_203486.3(DLL3):c.531C>T (p.Arg177=)

Genes: DLL3 (delta like canonical Notch ligand 3; plus strand), LOC130064417 (ATAC-STARR-seq lymphoblastoid silent region 10608; plus strand). Cytogenetic location: 19q13.2.
Variant type: single nucleotide variant.
Coding change: c.531C>T on transcript NM_203486.3 (MANE Select); coding-DNA position 531, C replaced by T.
Protein change: p.Arg177=; no amino-acid change (arginine 177 retained).
Molecular consequence: synonymous variant.
Genome position (GRCh38, 1-based): chr19:39,502,936, C>T. VCF-style: chr19-39502936-C-T. GRCh37 (hg19) VCF-style: chr19-39993576-C-T.
Other names: c.531C>T, p.Arg177= (NM_016941.4).
Identifiers: ClinVar variation 1312978 (VCV001312978.6), dbSNP rs1013696397, ClinGen allele CA308252226.